The following is an entry in ClinVar:

NM_000112.4(SLC26A2):c.1847C>T (p.Ala616Val)

Gene: SLC26A2 (solute carrier family 26 member 2; plus strand). Cytogenetic location: 5q32.
Variant type: single nucleotide variant.
Coding change: c.1847C>T on transcript NM_000112.4 (MANE Select); coding-DNA position 1847, C replaced by T.
Protein change: p.Ala616Val; replaces alanine 616 with valine.
Molecular consequence: missense variant.
Genome position (GRCh38, 1-based): chr5:149,981,440, C>T. VCF-style: chr5-149981440-C-T. GRCh37 (hg19) VCF-style: chr5-149361003-C-T.
Other names: short protein forms A616V.
Identifiers: ClinVar variation 1514118 (VCV001514118.5), dbSNP rs780207230, ClinGen allele CA3505505.

ClinVar aggregate classification (germline): Uncertain significance (1 of 4 stars; one submission).

Conditions:
Multiple epiphyseal dysplasia type 4 (EDM4). Also called: SLC26A2-Related Multiple Epiphyseal Dysplasia; Multiple Epiphyseal Dysplasia, Recessive; MULTIPLE EPIPHYSEAL DYSPLASIA WITH BILAYERED PATELLAE; MULTIPLE EPIPHYSEAL DYSPLASIA WITH CLUBFOOT; MULTIPLE EPIPHYSEAL DYSPLASIA, AUTOSOMAL RECESSIVE. Identifiers: Orphanet 93307, MedGen C1847593, MONDO:0009189, OMIM 226900.
Achondrogenesis, type IB (ACG1B). Also called: Achondrogenesis Type 1B. Identifiers: Orphanet 932, Orphanet 93298, MedGen C0265274, MONDO:0010966, OMIM 600972.
Diastrophic dysplasia (DTD). Also called: Diastrophic dwarfism. Identifiers: Orphanet 628, MedGen C0220726, MONDO:0009107, OMIM 222600.
Atelosteogenesis type II (AO2). Also called: SLC26A2-Related Atelosteogenesis; NEONATAL OSSEOUS DYSPLASIA I; Neonatal osseous dysplasia 1. Identifiers: Orphanet 56304, MedGen C1850554, MONDO:0009727, OMIM 256050.

Allele frequency attached by ClinVar (database versions not stated): TOPMed below 0.00001; ExAC 0.00001; gnomAD 0.00001; gnomAD exomes 0.00002.
gnomAD v4.1: 24 of 1,613,926 alleles (0.0015%); highest among the groups gnomAD compares: East Asian, 0.0022%; no homozygotes.

Submission:

Labcorp Genetics (formerly Invitae), Labcorp
Classification: Uncertain significance for Atelosteogenesis type II; Multiple epiphyseal dysplasia type 4; Achondrogenesis, type IB; Diastrophic dysplasia. Last evaluated: 2022-06-03. Review status: criteria provided, single submitter. Criteria: Invitae Variant Classification Sherloc (09022015). Collection method: clinical testing. Allele origin: germline.
Comment: This sequence change replaces alanine, which is neutral and non-polar, with valine, which is neutral and non-polar, at codon 616 of the SLC26A2 protein (p.Ala616Val). This variant is present in population databases (rs780207230, gnomAD 0.006%). This variant has not been reported in the literature in individuals affected with SLC26A2-related conditions. ClinVar contains an entry for this variant (Variation ID: 1514118). Advanced modeling of protein sequence and biophysical properties (such as structural, functional, and spatial information, amino acid conservation, physicochemical variation, residue mobility, and thermodynamic stability) performed at Invitae indicates that this missense variant is not expected to disrupt SLC26A2 protein function. Algorithms developed to predict the effect of sequence changes on RNA splicing suggest that this variant may create or strengthen a splice site. In summary, the available evidence is currently insufficient to determine the role of this variant in disease. Therefore, it has been classified as a Variant of Uncertain Significance.